The following is an entry in ClinVar:

NM_003638.3(ITGA8):c.2317A>C (p.Asn773His)

Gene: ITGA8 (integrin subunit alpha 8; minus strand). Cytogenetic location: 10p13.
Variant type: single nucleotide variant.
Coding change: c.2317A>C on transcript NM_003638.3 (MANE Select); coding-DNA position 2317, A replaced by C.
Protein change: p.Asn773His; replaces asparagine 773 with histidine.
Molecular consequence: missense variant.
Genome position (GRCh38, 1-based): chr10:15,586,639, T>G on the plus strand (A>C on the coding strand, the complement: ITGA8 is on the minus strand). VCF-style: chr10-15586639-T-G. GRCh37 (hg19) VCF-style: chr10-15628638-T-G.
Other names: c.2272A>C, p.Asn758His (NM_001291494.2); short protein forms N758H, N773H.
Identifiers: ClinVar variation 2497896 (VCV002497896.1), dbSNP rs201477871, ClinGen allele CA5419889.
Genomic context (GRCh38, chr10:15,586,639, plus strand): 5'-CTTACCCTCTTATTTCCACCTGCGCTACAGCAGTGATGTTGATTTGCAGGCTCACAAAAT[T>G]GCTGTCTGGATTGTCCTTGTTGGAACTAAAACACAAGGACATGTGATTTAAATCTATCTG-3'
Protein context (NP_003629.2, residues 763-783): RSSNKDNPDS[Asn773His]FVSLQINITA

ClinVar aggregate classification (germline): Uncertain significance (1 of 4 stars; one submission).

Allele frequency attached by ClinVar (database versions not stated): gnomAD exomes 0.00003; ExAC 0.00007; ESP Exome Variant Server 0.00015; gnomAD 0.00025; TOPMed 0.00031; 1000 Genomes Project 0.00060; 1000 Genomes Project 30x 0.00062.
gnomAD v4.1: 77 of 1,612,998 alleles (0.0048%); highest among the groups gnomAD compares: African/African-American, 0.097%; no homozygotes.

Submission:

GeneDx
Classification: Uncertain significance. Last evaluated: 2022-10-10. Review status: criteria provided, single submitter. Criteria: GeneDx Variant Classification Process June 2021. Collection method: clinical testing. Allele origin: germline. Affected: yes.
Comment: In silico analysis supports that this missense variant does not alter protein structure/function; Has not been previously published as pathogenic or benign to our knowledge